The following is an entry in ClinVar:

NM_000059.4(BRCA2):c.4707_4708del (p.Tyr1569_Arg1570delinsTer)

Gene: BRCA2 (BRCA2 DNA repair associated; plus strand). Cytogenetic location: 13q13.1.
Variant type: Deletion.
Coding change: c.4707_4708del on transcript NM_000059.4 (MANE Select); coding-DNA positions 4707 to 4708, 2 bases deleted (CA; older notation c.4707_4708delCA).
Protein change: p.Tyr1569_Arg1570delinsTer.
Molecular consequence: nonsense.
Genome position (GRCh38, 1-based): chr13:32,339,062-32,339,063, CA deleted; deleting any 2 consecutive bases within chr13:32,339,061-32,339,063 gives the same sequence; the c. name uses the placement nearest the transcript's 3' end. VCF-style (leftmost placement, unchanged base first): chr13-32339060-TAC-T. GRCh37 (hg19) VCF-style: chr13-32913197-TAC-T.
Other names: c.4707_4708del (NM_000059.3); c.4707_4708delCA (NM_000059.3).
Identifiers: ClinVar variation 441486 (VCV000441486.10), dbSNP rs1555283911, ClinGen allele CA658653666.

ClinVar aggregate classification (germline): Pathogenic. Review status: reviewed by expert panel (3 of 4 stars). 4 submissions from 4 submitters: Pathogenic (1). 3 of the submissions do not count toward it. Last evaluated 2017-12-15.

Conditions:
Hereditary cancer-predisposing syndrome. Also called: Hereditary Cancer Syndrome; Hereditary neoplastic syndrome; Tumor predisposition; Neoplastic Syndromes, Hereditary. Identifiers: Orphanet 140162, MedGen C0027672, MeSH D009386, MONDO:0015356.
Breast-ovarian cancer, familial, susceptibility to, 2 (BROVCA2). Also called: BRCA2 Hereditary Breast and Ovarian Cancer. Identifiers: Orphanet 145, MedGen C2675520, MONDO:0012933, OMIM 612555. Disease mechanism: loss of function.
Hereditary breast ovarian cancer syndrome. Also called: Hereditary breast and ovarian cancer syndrome; BRCA1- and BRCA2-Associated Hereditary Breast and Ovarian Cancer; Hereditary breast and ovarian cancer syndrome (HBOC); Hereditary breast and/or ovarian cancer syndrome; Hereditary breast and ovarian cancer; Breast and ovarian cancer. Identifiers: Orphanet 145, MedGen C0677776, MeSH D061325, MONDO:0003582. Disease mechanism: loss of function.

Submissions (4):

Evidence-based Network for the Interpretation of Germline Mutant Alleles (ENIGMA)
Classification: Pathogenic for Breast-ovarian cancer, familial, susceptibility to, 2. Last evaluated: 2017-12-15. Review status: reviewed by expert panel. Criteria: ENIGMA BRCA1/2 Classification Criteria (2017-06-29). Collection method: curation. Allele origin: germline. Study: ENIGMA.
Comment: Variant allele predicted to encode a truncated non-functional protein.

Labcorp Genetics (formerly Invitae), Labcorp
Classification: Pathogenic for Hereditary breast ovarian cancer syndrome. Last evaluated: 2025-07-29. Review status: criteria provided, single submitter. Criteria: Invitae Variant Classification Sherloc (09022015). Collection method: clinical testing. Allele origin: germline. Not counted in ClinVar's aggregate classification.
Comment: This sequence change creates a premature translational stop signal (p.Tyr1569*) in the BRCA2 gene. It is expected to result in an absent or disrupted protein product. Loss-of-function variants in BRCA2 are known to be pathogenic (PMID: 20104584). This variant is not present in population databases (gnomAD no frequency). This premature translational stop signal has been observed in individual(s) with breast cancer (PMID: 29335924). ClinVar contains an entry for this variant (Variation ID: 441486). For these reasons, this variant has been classified as Pathogenic.

Color Diagnostics, LLC DBA Color Health
Classification: Pathogenic for Hereditary cancer-predisposing syndrome. Last evaluated: 2021-04-15. Review status: criteria provided, single submitter. Criteria: ACMG Guidelines, 2015. Collection method: clinical testing. Allele origin: germline. Not counted in ClinVar's aggregate classification.
Comment: This variant deletes 2 nucleotides in exon 11 of the BRCA2 gene, creating a frameshift and premature translation stop signal. This variant is expected to result in an absent or non-functional protein product. To our knowledge, functional studies have not been reported for this variant. This variant has been reported in at least one individual affected with breast cancer (PMID: 29335924). This variant has not been identified in the general population by the Genome Aggregation Database (gnomAD). Loss of BRCA2 function is a known mechanism of disease. Based on the available evidence, this variant is classified as Pathogenic.

Ambry Genetics
Classification: Pathogenic for Hereditary cancer-predisposing syndrome. Last evaluated: 2016-11-02. Review status: criteria provided, single submitter. Criteria: Ambry Variant Classification Scheme 2023. Collection method: clinical testing. Allele origin: germline. Not counted in ClinVar's aggregate classification.
Comment: The c.4707_4708delCA pathogenic mutation, located in coding exon 10 of the BRCA2 gene, results from a deletion of two nucleotides at nucleotide positions 4707 to 4708, causing a translational frameshift with a predicted immediate stop codon (p.Y1569*). This alteration is expected to result in loss of function by premature protein truncation or nonsense-mediated mRNA decay. As such, this alteration is interpreted as a disease-causing mutation.

Literature cited by the submitters: PubMed 20104584 (cited by Labcorp Genetics (formerly Invitae), Labcorp); PubMed 29335924 (cited by Labcorp Genetics (formerly Invitae), Labcorp).